The following is an entry in ClinVar:

ClinVar aggregate classification (germline): Uncertain significance. Review status: criteria provided, multiple submitters, no conflicts (2 of 4 stars). 3 submissions from 3 submitters: Uncertain significance (3). Last evaluated 2024-07-17.

Conditions:
Muscular dystrophy-dystroglycanopathy (congenital with impaired intellectual development), type B, 1. Also called: Muscular dystrophy-dystroglycanopathy (congenital with intellectual disability), type B1; MUSCULAR DYSTROPHY, CONGENITAL, POMT1-RELATED. Identifiers: MedGen C5436962, MONDO:0013159, OMIM 613155.
Walker-Warburg congenital muscular dystrophy. Also called: Muscular dystrophy-dystroglycanopathy, type A; Walker-Warburg syndrome. Identifiers: Orphanet 899, MedGen C0265221, MONDO:0000171.
Autosomal recessive limb-girdle muscular dystrophy type 2K. Also called: MUSCULAR DYSTROPHY-DYSTROGLYCANOPATHY (LIMB-GIRDLE), TYPE C, 1; MUSCULAR DYSTROPHY, LIMB-GIRDLE, TYPE 2K. Identifiers: Orphanet 86812, MedGen C1836373, MONDO:0012248, OMIM 609308.

Allele frequency attached by ClinVar (database versions not stated): TOPMed below 0.00001; ExAC 0.00002; gnomAD exomes 0.00002.
gnomAD v4.1: 26 of 1,614,170 alleles (0.0016%); highest among the groups gnomAD compares: South Asian, 0.029%; no homozygotes.

Submissions (3):

Women's Health and Genetics/Laboratory Corporation of America, LabCorp
Classification: Uncertain significance. Last evaluated: 2024-07-17. Review status: criteria provided, single submitter. Criteria: LabCorp Variant Classification Summary - May 2015. Collection method: clinical testing. Allele origin: germline.

Blueprint Genetics
Classification: Uncertain significance. Last evaluated: 2022-06-27. Review status: criteria provided, single submitter. Criteria: ACMG Guidelines, 2015. Collection method: clinical testing. Allele origin: germline.

Labcorp Genetics (formerly Invitae), Labcorp
Classification: Uncertain significance for Muscular dystrophy-dystroglycanopathy (congenital with impaired intellectual development), type B, 1; Walker-Warburg congenital muscular dystrophy; Autosomal recessive limb-girdle muscular dystrophy type 2K. Last evaluated: 2022-05-22. Review status: criteria provided, single submitter. Criteria: Invitae Variant Classification Sherloc (09022015). Collection method: clinical testing. Allele origin: germline.
Comment: This sequence change replaces tryptophan, which is neutral and slightly polar, with cysteine, which is neutral and slightly polar, at codon 186 of the POMT1 protein (p.Trp186Cys). This variant is present in population databases (rs772370177, gnomAD 0.01%). This variant has not been reported in the literature in individuals affected with POMT1-related conditions. Algorithms developed to predict the effect of missense changes on protein structure and function (SIFT, PolyPhen-2, Align-GVGD) all suggest that this variant is likely to be disruptive. In summary, the available evidence is currently insufficient to determine the role of this variant in disease. Therefore, it has been classified as a Variant of Uncertain Significance.

NM_001077365.2(POMT1):c.558G>T (p.Trp186Cys)

Gene: POMT1 (protein O-mannosyltransferase 1; plus strand). Cytogenetic location: 9q34.13.
Variant type: single nucleotide variant.
Coding change: c.558G>T on transcript NM_001077365.2 (MANE Select); coding-DNA position 558, G replaced by T.
Protein change: p.Trp186Cys; replaces tryptophan 186 with cysteine.
Molecular consequence: missense variant. On other transcripts: non-coding transcript variant (10).
Genome position (GRCh38, 1-based): chr9:131,509,761, G>T. VCF-style: chr9-131509761-G-T. GRCh37 (hg19) VCF-style: chr9-134385148-G-T.
Other names: c.102G>T, p.Trp34Cys (NM_001374695.1, NM_001353200.2); c.-579G>T (NM_001411024.1); c.558G>T, p.Trp186Cys (NM_007171.4, NM_001136113.2, NM_001353193.2 and 1 more transcripts); c.396G>T, p.Trp132Cys (NM_001077366.2, NM_001353194.2, NM_001353197.2 and 3 more transcripts); c.207G>T, p.Trp69Cys (NM_001136114.2, NM_001353195.2, NM_001353199.2 and 2 more transcripts); c.468G>T, p.Trp156Cys (NM_001353196.2); short protein forms W132C, W69C, W156C, W186C, W34C.
Identifiers: ClinVar variation 2154108 (VCV002154108.3), dbSNP rs772370177, ClinGen allele CA5293322.